The following is an entry in ClinVar:

ClinVar aggregate classification (germline): Likely pathogenic (1 of 4 stars; one submission).

Conditions:
Congenital myasthenic syndrome 13 (CMS13). Also called: Myasthenic syndrome, congenital, 13, with tubular aggregates; Myasthenic syndrome, congenital, with tubular aggregates 2. Identifiers: Orphanet 353327, Orphanet 590, MedGen C3553645, MONDO:0013883, OMIM 614750.
DPAGT1-congenital disorder of glycosylation. Also called: DPAGT1-CDG; CONGENITAL DISORDER OF GLYCOSYLATION, TYPE Ij; CDG Ij. Identifiers: Orphanet 86309, MedGen C2931004, MONDO:0011964, OMIM 608093.

Submission:

Labcorp Genetics (formerly Invitae), Labcorp
Classification: Likely pathogenic for Congenital myasthenic syndrome 13; DPAGT1-congenital disorder of glycosylation. Last evaluated: 2022-02-18. Review status: criteria provided, single submitter. Criteria: Invitae Variant Classification Sherloc (09022015). Collection method: clinical testing. Allele origin: germline.
Comment: In summary, the currently available evidence indicates that the variant is pathogenic, but additional data are needed to prove that conclusively. Therefore, this variant has been classified as Likely Pathogenic. Algorithms developed to predict the effect of sequence changes on RNA splicing suggest that this variant may disrupt the consensus splice site. This variant has not been reported in the literature in individuals affected with DPAGT1-related conditions. This variant is not present in population databases (gnomAD no frequency). This sequence change affects an acceptor splice site in intron 4 of the DPAGT1 gene. It is expected to disrupt RNA splicing. Variants that disrupt the donor or acceptor splice site typically lead to a loss of protein function (PMID: 16199547), and loss-of-function variants in DPAGT1 are known to be pathogenic (PMID: 22742743).

Literature cited by the submitters: PubMed 16199547; PubMed 22742743.

NM_001382.4(DPAGT1):c.644-1G>T

Gene: DPAGT1 (dolichyl-phosphate N-acetylglucosaminephosphotransferase 1; minus strand). Cytogenetic location: 11q23.3.
Variant type: single nucleotide variant.
Coding change: c.644-1G>T on transcript NM_001382.4 (MANE Select); the canonical splice acceptor site of the intron before coding-DNA position 644, G replaced by T.
Molecular consequence: splice acceptor variant.
Genome position (GRCh38, 1-based): chr11:119,098,488, C>A on the plus strand (G>T on the coding strand, the complement: DPAGT1 is on the minus strand). VCF-style: chr11-119098488-C-A. GRCh37 (hg19) VCF-style: chr11-118969198-C-A.
Identifiers: ClinVar variation 1480366 (VCV001480366.6), dbSNP rs2134903748, ClinGen allele CA382911968.